The following is an entry in ClinVar:

NM_000733.4(CD3E):c.85+16C>T

Gene: CD3E (CD3 epsilon subunit of T-cell receptor complex; plus strand). Cytogenetic location: 11q23.3.
Variant type: single nucleotide variant.
Coding change: c.85+16C>T on transcript NM_000733.4 (MANE Select); 16 bases into the intron after coding-DNA position 85, C replaced by T.
Molecular consequence: intron variant.
Genome position (GRCh38, 1-based): chr11:118,308,457, C>T. VCF-style: chr11-118308457-C-T. GRCh37 (hg19) VCF-style: chr11-118179172-C-T.
Identifiers: ClinVar variation 1599656 (VCV001599656.11), dbSNP rs200489032, ClinGen allele CA6301591.

ClinVar aggregate classification (germline): Benign/Likely benign. Review status: criteria provided, multiple submitters, no conflicts (2 of 4 stars). 3 submissions from 3 submitters: Benign (2); Likely benign (1). Last evaluated 2026-04-01.

Conditions:
Immunodeficiency 18 (IMD18). Also called: CD3epsilon deficiency; CD3-EPSILON DEFICIENCY. Identifiers: MedGen C3810127, MONDO:0014278, OMIM 615615.

Allele frequency attached by ClinVar (database versions not stated): TOPMed 0.00005; gnomAD 0.00021; gnomAD exomes 0.00032 and 0.00068; ExAC 0.00092; 1000 Genomes Project 30x 0.00234; 1000 Genomes Project 0.00280.

Submissions (3):

Women's Health and Genetics/Laboratory Corporation of America, LabCorp
Classification: Benign. Last evaluated: 2026-04-01. Review status: criteria provided, single submitter. Criteria: LabCorp Variant Classification Summary - May 2015. Collection method: clinical testing. Allele origin: germline.
Comment: Variant summary: CD3E c.85+16C>T alters a non-conserved nucleotide located at a position not widely known to affect splicing. Consensus agreement among computation tools predict no significant impact on normal splicing. However, these predictions have yet to be confirmed by functional studies. The variant allele was found at a frequency of 0.00068 in 235376 control chromosomes, predominantly at a frequency of 0.0054 within the South Asian subpopulation in the gnomAD database, including 3 homozygotes. The observed variant frequency within South Asian control individuals in the gnomAD database exceeds the estimated maximal expected allele frequency for disease-causing variants in CD3E. To our knowledge, no occurrence of c.85+16C>T in individuals affected with CD3E-related conditions and no experimental evidence demonstrating its impact on protein function have been reported. ClinVar contains an entry for this variant (Variation ID: 1599656). Based on the evidence outlined above, the variant was classified as benign.

Labcorp Genetics (formerly Invitae), Labcorp
Classification: Benign for Immunodeficiency 18. Last evaluated: 2026-01-28. Review status: criteria provided, single submitter. Criteria: Invitae Variant Classification Sherloc (09022015). Collection method: clinical testing. Allele origin: germline.

Blueprint Genetics
Classification: Likely benign. Last evaluated: 2024-10-23. Review status: criteria provided, single submitter. Criteria: ACMG Guidelines, 2015. Collection method: clinical testing. Allele origin: germline.